The following is an entry in ClinVar:

NM_198576.4(AGRN):c.3800C>T (p.Ala1267Val)

Gene: AGRN (agrin; plus strand). Cytogenetic location: 1p36.33.
Variant type: single nucleotide variant.
Coding change: c.3800C>T on transcript NM_198576.4 (MANE Select); coding-DNA position 3800, C replaced by T.
Protein change: p.Ala1267Val; replaces alanine 1267 with valine.
Molecular consequence: missense variant.
Genome position (GRCh38, 1-based): chr1:1,048,060, C>T. VCF-style: chr1-1048060-C-T. GRCh37 (hg19) VCF-style: chr1-983440-C-T.
Other names: c.3800C>T, p.Ala1267Val (NM_001305275.2); c.3485C>T, p.Ala1162Val (NM_001364727.2); c.3800C>T (NM_198576.3); short protein forms A1267V, A1162V.
Identifiers: ClinVar variation 2064712 (VCV002064712.2), dbSNP rs760130656, ClinGen allele CA509244.
Genomic context (GRCh38, chr1:1,048,060, plus strand): 5'-CTGTGCCGGCAGACTGGTTTCCTGCGTTTATCACGGGGGCCACGTCAGGAGCCATTGCTG[C>T]GGGAGCCACGGCCAGAGCCACCACTGCATCGCGCCTGCCGTCCTCTGCTGTGACCCCTCG-3'
Protein context (NP_940978.2, residues 1257-1277): ITGATSGAIA[Ala1267Val]GATARATTAS

ClinVar aggregate classification (germline): Uncertain significance. Review status: criteria provided, multiple submitters, no conflicts (2 of 4 stars). 2 submissions from 2 submitters: Uncertain significance (2). Last evaluated 2024-11-14.

Conditions:
Congenital myasthenic syndrome 8. Also called: Myasthenic syndrome, congenital, 8, with pre- and postsynaptic defects; MYASTHENIC SYNDROME, CONGENITAL, DUE TO AGRIN DEFICIENCY. Identifiers: Orphanet 590, MedGen C3808739, MONDO:0014052, OMIM 615120.
Inborn genetic diseases. Identifiers: MedGen C0950123, MeSH D030342.

Allele frequency attached by ClinVar (database versions not stated): ExAC 0.00002; gnomAD 0.00003; TOPMed 0.00004.
gnomAD v4.1: 22 of 1,583,958 alleles (0.0014%); highest among the groups gnomAD compares: Admixed American, 0.0051%; no homozygotes.

Submissions (2):

Ambry Genetics
Classification: Uncertain significance for Inborn genetic diseases. Last evaluated: 2024-11-14. Review status: criteria provided, single submitter. Criteria: Ambry Variant Classification Scheme 2023. Collection method: clinical testing. Allele origin: germline.

Labcorp Genetics (formerly Invitae), Labcorp
Classification: Uncertain significance for Congenital myasthenic syndrome 8. Last evaluated: 2022-10-25. Review status: criteria provided, single submitter. Criteria: Invitae Variant Classification Sherloc (09022015). Collection method: clinical testing. Allele origin: germline.
Comment: This sequence change replaces alanine, which is neutral and non-polar, with valine, which is neutral and non-polar, at codon 1267 of the AGRN protein (p.Ala1267Val). The frequency data for this variant in the population databases is considered unreliable, as metrics indicate poor data quality at this position in the gnomAD database. This variant has not been reported in the literature in individuals affected with AGRN-related conditions. Algorithms developed to predict the effect of missense changes on protein structure and function are either unavailable or do not agree on the potential impact of this missense change (SIFT: "Deleterious"; PolyPhen-2: "Possibly Damaging"; Align-GVGD: "Class C0"). In summary, the available evidence is currently insufficient to determine the role of this variant in disease. Therefore, it has been classified as a Variant of Uncertain Significance.